The following is an entry in ClinVar:

ClinVar aggregate classification (germline): Uncertain significance. Review status: criteria provided, multiple submitters, no conflicts (2 of 4 stars). 2 submissions from 2 submitters: Uncertain significance (2). Last evaluated 2026-02-06.

Conditions:
Retinitis pigmentosa 25 (RP25). Identifiers: Orphanet 791, MedGen C1864446, MONDO:0011272, OMIM 602772.

gnomAD v4.1: 6 of 1,612,792 alleles (0.00037%); highest among the groups gnomAD compares: South Asian, 0.0011%; no homozygotes.

Submissions (2):

Myriad Genetics, Inc.
Classification: Uncertain significance for Retinitis pigmentosa 25. Last evaluated: 2026-02-06. Review status: criteria provided, single submitter. Criteria: Myriad Autosomal Dominant, Autosomal Recessive and X-Linked Classification Criteria (2023). Collection method: clinical testing. Allele origin: unknown.
Comment: NM_001142800.1(EYS):c.935G>A(S312N) is a missense variant classified as a variant of uncertain significance in the context of retinitis pigmentosa, EYS-related. S312N has been observed in a case with relevant disease (PMID: 32483926). Relevant functional assessments of this variant are not available in the literature. S312N has been observed in referenced population frequency databases. In summary, there is insufficient evidence to classify NM_001142800.1(EYS):c.935G>A(S312N) as pathogenic or benign. Please note: this variant was assessed in the context of healthy population screening.

Labcorp Genetics (formerly Invitae), Labcorp
Classification: Uncertain significance. Last evaluated: 2024-02-23. Review status: criteria provided, single submitter. Criteria: Invitae Variant Classification Sherloc (09022015). Collection method: clinical testing. Allele origin: germline.
Comment: This sequence change replaces serine, which is neutral and polar, with asparagine, which is neutral and polar, at codon 312 of the EYS protein (p.Ser312Asn). This variant is present in population databases (rs565335751, gnomAD 0.004%). This missense change has been observed in individual(s) with inherited retinal disorder (PMID: 32483926). Algorithms developed to predict the effect of missense changes on protein structure and function output the following: SIFT: "Not Available"; PolyPhen-2: "Benign"; Align-GVGD: "Not Available". The asparagine amino acid residue is found in multiple mammalian species, which suggests that this missense change does not adversely affect protein function. In summary, the available evidence is currently insufficient to determine the role of this variant in disease. Therefore, it has been classified as a Variant of Uncertain Significance.

Literature cited by the submitters: PubMed 32483926 (cited by Myriad Genetics, Inc. and Labcorp Genetics (formerly Invitae), Labcorp).

NM_001142800.2(EYS):c.935G>A (p.Ser312Asn)

Gene: EYS (EGF-like photoreceptor maintenance factor; minus strand). Cytogenetic location: 6q12.
Variant type: single nucleotide variant.
Coding change: c.935G>A on transcript NM_001142800.2 (MANE Select); coding-DNA position 935, G replaced by A.
Protein change: p.Ser312Asn; replaces serine 312 with asparagine.
Molecular consequence: missense variant.
Genome position (GRCh38, 1-based): chr6:65,405,295, C>T on the plus strand (G>A on the coding strand, the complement: EYS is on the minus strand). VCF-style: chr6-65405295-C-T. GRCh37 (hg19) VCF-style: chr6-66115188-C-T.
Other names: c.935G>A, p.Ser312Asn (NM_001142801.2, NM_001292009.2, NM_198283.2); short protein forms S312N.
Identifiers: ClinVar variation 3719650 (VCV003719650.3).